The following is an entry in ClinVar:

NM_000384.3(APOB):c.9800T>A (p.Met3267Lys)

Gene: APOB (apolipoprotein B; minus strand). Cytogenetic location: 2p24.1.
Variant type: single nucleotide variant.
Coding change: c.9800T>A on transcript NM_000384.3 (MANE Select); coding-DNA position 9800, T replaced by A.
Protein change: p.Met3267Lys; replaces methionine 3267 with lysine.
Molecular consequence: missense variant.
Genome position (GRCh38, 1-based): chr2:21,007,068, A>T on the plus strand (T>A on the coding strand, the complement: APOB is on the minus strand). VCF-style: chr2-21007068-A-T. GRCh37 (hg19) VCF-style: chr2-21229940-A-T.
Other names: short protein forms M3267K.
Identifiers: ClinVar variation 1768265 (VCV001768265.2), dbSNP rs2465361721, ClinGen allele CA345988758.
Genomic context (GRCh38, chr2:21,007,068, plus strand): 5'-CCTAGGATGGAGAAACTAGGCATGCTGACTGCTTTTGGGAACACATAGCCGAATGCCGAC[A>T]TCTCTATGGTGAATGGAGACACTTCAACATTGACAACTGGAACAGTGTATCCAGGAATTT-3'
Protein context (NP_000375.3, residues 3257-3277): NVEVSPFTIE[Met3267Lys]SAFGYVFPKA

ClinVar aggregate classification (germline): Uncertain significance (1 of 4 stars; one submission).

Conditions:
Cardiovascular phenotype. Identifiers: MedGen CN230736.

Allele frequency attached by ClinVar (database versions not stated): gnomAD exomes 0.00001.
gnomAD v4.1: 10 of 1,614,058 alleles (0.00062%); highest among the groups gnomAD compares: Non-Finnish European, 0.00085%; no homozygotes.

Submission:

Ambry Genetics
Classification: Uncertain significance for Cardiovascular phenotype. Last evaluated: 2021-11-19. Review status: criteria provided, single submitter. Criteria: Ambry Variant Classification Scheme 2023. Collection method: clinical testing. Allele origin: germline.
Comment: The p.M3267K variant (also known as c.9800T>A), located in coding exon 26 of the APOB gene, results from a T to A substitution at nucleotide position 9800. The methionine at codon 3267 is replaced by lysine, an amino acid with similar properties. This amino acid position is conserved. In addition, this alteration is predicted to be tolerated by in silico analysis. Since supporting evidence is limited at this time, the clinical significance of this alteration remains unclear.